The following is an entry in ClinVar:

NM_032578.4(MYPN):c.2297C>G (p.Ser766Cys)

Gene: MYPN (myopalladin; plus strand). Cytogenetic location: 10q21.3.
Variant type: single nucleotide variant.
Coding change: c.2297C>G on transcript NM_032578.4 (MANE Select); coding-DNA position 2297, C replaced by G.
Protein change: p.Ser766Cys; replaces serine 766 with cysteine.
Molecular consequence: missense variant. On other transcripts: non-coding transcript variant (2).
Genome position (GRCh38, 1-based): chr10:68,174,389, C>G. VCF-style: chr10-68174389-C-G. GRCh37 (hg19) VCF-style: chr10-69934146-C-G.
Other names: c.2297C>G, p.Ser766Cys (NM_001256267.2); c.1415C>G, p.Ser472Cys (NM_001256268.2); short protein forms S472C, S766C.
Identifiers: ClinVar variation 858380 (VCV000858380.11), dbSNP rs2043192805, ClinGen allele CA376846114.

ClinVar aggregate classification (germline): Uncertain significance (1 of 4 stars; one submission).

Conditions:
Dilated cardiomyopathy 1KK (CMD1KK). Identifiers: Orphanet 154, Orphanet 75249, MedGen C3714995, MONDO:0014100, OMIM 615248.

Allele frequency attached by ClinVar (database versions not stated): gnomAD exomes below 0.00001.
gnomAD v4.1: 1 of 1,614,170 alleles (0.000062%); highest among the groups gnomAD compares: Non-Finnish European, 0.000085%; no homozygotes.

Submission:

Labcorp Genetics (formerly Invitae), Labcorp
Classification: Uncertain significance for Dilated cardiomyopathy 1KK. Last evaluated: 2022-07-15. Review status: criteria provided, single submitter. Criteria: Invitae Variant Classification Sherloc (09022015). Collection method: clinical testing. Allele origin: germline.
Comment: This sequence change replaces serine, which is neutral and polar, with cysteine, which is neutral and slightly polar, at codon 766 of the MYPN protein (p.Ser766Cys). In summary, the available evidence is currently insufficient to determine the role of this variant in disease. Therefore, it has been classified as a Variant of Uncertain Significance. Algorithms developed to predict the effect of missense changes on protein structure and function are either unavailable or do not agree on the potential impact of this missense change (SIFT: "Tolerated"; PolyPhen-2: "Possibly Damaging"; Align-GVGD: "Class C0"). ClinVar contains an entry for this variant (Variation ID: 858380). This variant has not been reported in the literature in individuals affected with MYPN-related conditions. This variant is not present in population databases (gnomAD no frequency).